The following is an entry in ClinVar:

NM_152641.4(ARID2):c.4555G>A (p.Ala1519Thr)

Gene: ARID2 (AT-rich interaction domain 2; plus strand). Cytogenetic location: 12q12.
Variant type: single nucleotide variant.
Coding change: c.4555G>A on transcript NM_152641.4 (MANE Select); coding-DNA position 4555, G replaced by A.
Protein change: p.Ala1519Thr; replaces alanine 1519 with threonine.
Molecular consequence: missense variant.
Genome position (GRCh38, 1-based): chr12:45,852,678, G>A. VCF-style: chr12-45852678-G-A. GRCh37 (hg19) VCF-style: chr12-46246461-G-A.
Other names: c.4555G>A, p.Ala1519Thr (NM_001347839.2); short protein forms A1519T.
Identifiers: ClinVar variation 4882744 (VCV004882744.2).

ClinVar aggregate classification (germline): Uncertain significance (1 of 4 stars; one submission).

gnomAD v4.1: 2 of 1,614,052 alleles (0.00012%); highest among the groups gnomAD compares: African/African-American, 0.0027%; no homozygotes.

Submission:

Dasa
Classification: Uncertain significance. Last evaluated: 2025-12-31. Review status: criteria provided, single submitter. Criteria: DASA Assertion Criteria. Collection method: clinical testing. Allele origin: germline.
Comment: NM_152641.4(ARID2):c.4555G>A (p.Ala1519Thr) is a missense variant that results in the substitution of alanine with threonine. This variant is rare in population databases. The currently available literature and clinical evidence are not sufficient to establish a definitive association between this variant and the reported condition. Therefore, this variant is classified as a variant of uncertain significance.